The following is an entry in ClinVar:

NM_017514.5(PLXNA3):c.1214C>T (p.Pro405Leu)

Gene: PLXNA3 (plexin A3; plus strand). Cytogenetic location: Xq28.
Variant type: single nucleotide variant.
Coding change: c.1214C>T on transcript NM_017514.5 (MANE Select); coding-DNA position 1214, C replaced by T.
Protein change: p.Pro405Leu; replaces proline 405 with leucine.
Molecular consequence: missense variant.
Genome position (GRCh38, 1-based): chrX:154,462,207, C>T. VCF-style: chrX-154462207-C-T. GRCh37 (hg19) VCF-style: chrX-153690547-C-T.
Other names: short protein forms P405L.
Identifiers: ClinVar variation 3357260 (VCV003357260.1).

ClinVar aggregate classification (germline): Uncertain significance (0 of 4 stars; one submission).

Conditions:
PLXNA3-related disorder. Also called: PLXNA3-related condition.

Submission:

PreventionGenetics, part of Exact Sciences
Classification: Uncertain significance for PLXNA3-related condition. Last evaluated: 2024-06-29. Review status: no assertion criteria provided. Collection method: clinical testing. Allele origin: germline.
Comment: The PLXNA3 c.1214C>T variant is predicted to result in the amino acid substitution p.Pro405Leu. To our knowledge, this variant has not been reported in the literature or in a large population database, indicating this variant is rare. At this time, the clinical significance of this variant is uncertain due to the absence of conclusive functional and genetic evidence.